The following is an entry in ClinVar:

ClinVar aggregate classification (germline): Likely benign (0 of 4 stars; one submission).

Conditions:
PLXNA3-related disorder. Also called: PLXNA3-related condition.

gnomAD v4.1: 10 of 1,186,635 alleles (0.00084%); highest among the groups gnomAD compares: South Asian, 0.0095%; no homozygotes.

Submission:

PreventionGenetics, part of Exact Sciences
Classification: Likely benign for PLXNA3-related condition. Last evaluated: 2022-06-28. Review status: no assertion criteria provided. Collection method: clinical testing. Allele origin: germline.
Comment: This variant is classified as likely benign based on ACMG/AMP sequence variant interpretation guidelines (Richards et al. 2015 PMID: 25741868, with internal and published modifications).

NM_017514.5(PLXNA3):c.3915C>T (p.Arg1305=)

Gene: PLXNA3 (plexin A3; plus strand). Cytogenetic location: Xq28.
Variant type: single nucleotide variant.
Coding change: c.3915C>T on transcript NM_017514.5 (MANE Select); coding-DNA position 3915, C replaced by T.
Protein change: p.Arg1305=; no amino-acid change (arginine 1305 retained).
Molecular consequence: synonymous variant.
Genome position (GRCh38, 1-based): chrX:154,468,176, C>T. VCF-style: chrX-154468176-C-T. GRCh37 (hg19) VCF-style: chrX-153696519-C-T.
Identifiers: ClinVar variation 3351414 (VCV003351414.1).
Genomic context (GRCh38, chrX:154,468,176, plus strand): 5'-GACTAACCACATGGACGAGGTGCAGATCCCCTTCCTGGACTACCGGACTTACGCCGTGCG[C>T]GTGCTCTTCCCGGGCATCGAGGCCCACCCGGTGCTCAAGGAGCTGGATGTGAGCCTCTGC-3'
Protein context (NP_059984.3, residues 1295-1315): PFLDYRTYAV[Arg1305=]VLFPGIEAHP